The following is an entry in ClinVar:

ClinVar aggregate classification (germline): Uncertain significance (1 of 4 stars; one submission).

Submission:

Ambry Genetics
Classification: Uncertain significance. Last evaluated: 2024-01-27. Review status: criteria provided, single submitter. Criteria: Ambry Variant Classification Scheme 2023. Collection method: clinical testing. Allele origin: germline.
Comment: The p.S18R variant (also known as c.54T>G), located in coding exon 1 of the TMPO gene, results from a T to G substitution at nucleotide position 54. The serine at codon 18 is replaced by arginine, an amino acid with dissimilar properties. This amino acid position is conserved. In addition, the in silico prediction for this alteration is inconclusive. Based on the available evidence, the clinical significance of this alteration remains unclear.

NM_001032283.3(TMPO):c.54T>G (p.Ser18Arg)

Genes: TMPO (thymopoietin; plus strand), TMPO-AS1 (TMPO antisense RNA 1; minus strand). Cytogenetic location: 12q23.1.
Variant type: single nucleotide variant.
Coding change: c.54T>G on transcript NM_001032283.3 (MANE Select); coding-DNA position 54, T replaced by G.
Protein change: p.Ser18Arg; replaces serine 18 with arginine.
Molecular consequence: missense variant.
Genome position (GRCh38, 1-based): chr12:98,515,921, T>G. VCF-style: chr12-98515921-T-G. GRCh37 (hg19) VCF-style: chr12-98909699-T-G.
Other names: c.54T>G, p.Ser18Arg (NM_001032284.3, NM_001307975.2, NM_003276.2); short protein forms S18R.
Identifiers: ClinVar variation 3223178 (VCV003223178.1), dbSNP rs2548488695, ClinGen allele CA386239340.